The following is an entry in ClinVar:

NM_025150.5(TARS2):c.1470C>T (p.Phe490=)

Gene: TARS2 (threonyl-tRNA synthetase 2, mitochondrial; plus strand). Cytogenetic location: 1q21.2.
Variant type: single nucleotide variant.
Coding change: c.1470C>T on transcript NM_025150.5 (MANE Select); coding-DNA position 1470, C replaced by T.
Protein change: p.Phe490=; no amino-acid change (phenylalanine 490 retained).
Molecular consequence: synonymous variant. On other transcripts: non-coding transcript variant (2).
Genome position (GRCh38, 1-based): chr1:150,498,965, C>T. VCF-style: chr1-150498965-C-T. GRCh37 (hg19) VCF-style: chr1-150471441-C-T.
Other names: c.1224C>T, p.Phe408= (NM_001271895.2); c.1080C>T, p.Phe360= (NM_001271896.2).
Identifiers: ClinVar variation 3055229 (VCV003055229.2), dbSNP rs1570855780, ClinGen allele CA420690060.

ClinVar aggregate classification (germline): Likely benign (0 of 4 stars; one submission).

Conditions:
TARS2-related disorder. Also called: TARS2-related condition.

Submission:

PreventionGenetics, part of Exact Sciences
Classification: Likely benign for TARS2-related condition. Last evaluated: 2020-04-28. Review status: no assertion criteria provided. Collection method: clinical testing. Allele origin: germline.
Comment: This variant is classified as likely benign based on ACMG/AMP sequence variant interpretation guidelines (Richards et al. 2015 PMID: 25741868, with internal and published modifications).